The following is an entry in ClinVar:

ClinVar aggregate classification (germline): Uncertain significance (1 of 4 stars; one submission).

Allele frequency attached by ClinVar (database versions not stated): gnomAD exomes below 0.00001.
gnomAD v4.1: 1 of 1,613,978 alleles (0.000062%); highest among the groups gnomAD compares: Admixed American, 0.0017%; no homozygotes.

Submission:

Labcorp Genetics (formerly Invitae), Labcorp
Classification: Uncertain significance. Last evaluated: 2022-08-07. Review status: criteria provided, single submitter. Criteria: Invitae Variant Classification Sherloc (09022015). Collection method: clinical testing. Allele origin: germline.
Comment: This sequence change replaces asparagine, which is neutral and polar, with tyrosine, which is neutral and polar, at codon 50 of the PDSS2 protein (p.Asn50Tyr). This variant is present in population databases (no rsID available, gnomAD 0.003%). This variant has not been reported in the literature in individuals affected with PDSS2-related conditions. Algorithms developed to predict the effect of missense changes on protein structure and function are either unavailable or do not agree on the potential impact of this missense change (SIFT: "Deleterious"; PolyPhen-2: "Possibly Damaging"; Align-GVGD: "Class C0"). In summary, the available evidence is currently insufficient to determine the role of this variant in disease. Therefore, it has been classified as a Variant of Uncertain Significance.

NM_020381.4(PDSS2):c.148A>T (p.Asn50Tyr)

Gene: PDSS2 (decaprenyl diphosphate synthase subunit 2; minus strand). Cytogenetic location: 6q21.
Variant type: single nucleotide variant.
Coding change: c.148A>T on transcript NM_020381.4 (MANE Select); coding-DNA position 148, A replaced by T.
Protein change: p.Asn50Tyr; replaces asparagine 50 with tyrosine.
Molecular consequence: missense variant.
Genome position (GRCh38, 1-based): chr6:107,459,138, T>A on the plus strand (A>T on the coding strand, the complement: PDSS2 is on the minus strand). VCF-style: chr6-107459138-T-A. GRCh37 (hg19) VCF-style: chr6-107780342-T-A.
Other names: short protein forms N50Y.
Identifiers: ClinVar variation 1970690 (VCV001970690.5), dbSNP rs1321758345, ClinGen allele CA365326006.